The following is an entry in ClinVar:

NM_001967.4(EIF4A2):c.768_771del (p.Glu257fs)

Gene: EIF4A2 (eukaryotic translation initiation factor 4A2; plus strand). Cytogenetic location: 3q27.3.
Variant type: Microsatellite.
Coding change: c.768_771del on transcript NM_001967.4 (MANE Select); coding-DNA positions 768 to 771, 4 bases deleted (AGAG; older notation c.768_771delAGAG).
Protein change: p.Glu257fs; shifts the reading frame from glutamic acid 257.
Molecular consequence: frameshift variant.
Genome position (GRCh38, 1-based): chr3:186,786,642-186,786,645, AGAG deleted; deleting any 4 consecutive bases within chr3:186,786,637-186,786,645 gives the same sequence; the c. name uses the placement nearest the transcript's 3' end. VCF-style (leftmost placement, unchanged base first): chr3-186786636-TGAGA-T. GRCh37 (hg19) VCF-style: chr3-186504425-TGAGA-T.
Other names: short protein forms E257fs.
Identifiers: ClinVar variation 3344788 (VCV003344788.1).

ClinVar aggregate classification (germline): Uncertain significance (0 of 4 stars; one submission).

Conditions:
EIF4A2-related disorder. Also called: EIF4A2-related condition.

Submission:

PreventionGenetics, part of Exact Sciences
Classification: Uncertain significance for EIF4A2-related condition. Last evaluated: 2024-07-30. Review status: no assertion criteria provided. Collection method: clinical testing. Allele origin: germline.
Comment: The EIF4A2 c.768_771delAGAG variant is predicted to result in a frameshift and premature protein termination (p.Glu257Asnfs*14). To our knowledge, this variant has not been reported in the literature or in a large population database, indicating this variant is rare. At this time, the clinical significance of this variant is uncertain due to the absence of conclusive functional and genetic evidence.